The following is an entry in ClinVar:

NM_030761.5(WNT4):c.890A>C (p.Asn297Thr)

Gene: WNT4 (Wnt family member 4; minus strand). Cytogenetic location: 1p36.12.
Variant type: single nucleotide variant.
Coding change: c.890A>C on transcript NM_030761.5 (MANE Select); coding-DNA position 890, A replaced by C.
Protein change: p.Asn297Thr; replaces asparagine 297 with threonine.
Molecular consequence: missense variant.
Genome position (GRCh38, 1-based): chr1:22,120,216, T>G on the plus strand (A>C on the coding strand, the complement: WNT4 is on the minus strand). VCF-style: chr1-22120216-T-G. GRCh37 (hg19) VCF-style: chr1-22446709-T-G.
Other names: short protein forms N297T.
Identifiers: ClinVar variation 1384544 (VCV001384544.6), dbSNP rs1645884080, ClinGen allele CA338915983.
Genomic context (GRCh38, chr1:22,120,216, plus strand): 5'-GTGTGGAAGCCGCGGCCACAGCACAGCAGCTCACAGCCGTCGATGGCCTTGGACGTCTTG[T>G]TGCATGTGCGGCCCCTCGTGCCCAGCACGCCGCTGCGCATGTCCTGCTCACAGAAGTCGG-3'
Protein context (NP_110388.2, residues 287-307): GVLGTRGRTC[Asn297Thr]KTSKAIDGCE

ClinVar aggregate classification (germline): Uncertain significance (1 of 4 stars; one submission).

Allele frequency attached by ClinVar (database versions not stated): TOPMed below 0.00001; gnomAD 0.00001.
gnomAD v4.1: 1 of 1,613,958 alleles (0.000062%); highest among the groups gnomAD compares: Non-Finnish European, 0.000085%; no homozygotes.

Submission:

Labcorp Genetics (formerly Invitae), Labcorp
Classification: Uncertain significance. Last evaluated: 2024-02-16. Review status: criteria provided, single submitter. Criteria: Invitae Variant Classification Sherloc (09022015). Collection method: clinical testing. Allele origin: germline.
Comment: This sequence change replaces asparagine, which is neutral and polar, with threonine, which is neutral and polar, at codon 297 of the WNT4 protein (p.Asn297Thr). This variant is not present in population databases (gnomAD no frequency). This variant has not been reported in the literature in individuals affected with WNT4-related conditions. ClinVar contains an entry for this variant (Variation ID: 1384544). Advanced modeling of protein sequence and biophysical properties (such as structural, functional, and spatial information, amino acid conservation, physicochemical variation, residue mobility, and thermodynamic stability) performed at Invitae indicates that this missense variant is expected to disrupt WNT4 protein function with a positive predictive value of 80%. In summary, the available evidence is currently insufficient to determine the role of this variant in disease. Therefore, it has been classified as a Variant of Uncertain Significance.